The following is an entry in ClinVar:

ClinVar aggregate classification (germline): Likely benign. Review status: criteria provided, multiple submitters, no conflicts (2 of 4 stars). 3 submissions from 3 submitters: Likely benign (2). 1 of the submissions does not count toward it. Last evaluated 2024-10-18.

Conditions:
SMOC1-related disorder. Also called: SMOC1-related condition.

Allele frequency attached by ClinVar (database versions not stated): gnomAD 0.00002 and 0.00007; TOPMed 0.00002; gnomAD exomes 0.00016; ExAC 0.00018.
gnomAD v4.1: 172 of 1,613,818 alleles (0.011%); highest among the groups gnomAD compares: Middle Eastern, 0.15%; 2 homozygotes.

Submissions (3):

Blueprint Genetics
Classification: Likely benign. Last evaluated: 2024-10-18. Review status: criteria provided, single submitter. Criteria: ACMG Guidelines, 2015. Collection method: clinical testing. Allele origin: germline.

Labcorp Genetics (formerly Invitae), Labcorp
Classification: Likely benign. Last evaluated: 2023-09-07. Review status: criteria provided, single submitter. Criteria: Invitae Variant Classification Sherloc (09022015). Collection method: clinical testing. Allele origin: germline.

PreventionGenetics, part of Exact Sciences
Classification: Likely benign for SMOC1-related condition. Last evaluated: 2019-02-22. Review status: no assertion criteria provided. Collection method: clinical testing. Allele origin: germline. Not counted in ClinVar's aggregate classification.
Comment: This variant is classified as likely benign based on ACMG/AMP sequence variant interpretation guidelines (Richards et al. 2015 PMID: 25741868, with internal and published modifications).

NM_001034852.3(SMOC1):c.266-8T>C

Gene: SMOC1 (SPARC related modular calcium binding 1; plus strand). Cytogenetic location: 14q24.2.
Variant type: single nucleotide variant.
Coding change: c.266-8T>C on transcript NM_001034852.3 (MANE Select); 8 bases into the intron before coding-DNA position 266, T replaced by C.
Molecular consequence: intron variant.
Genome position (GRCh38, 1-based): chr14:69,953,412, T>C. VCF-style: chr14-69953412-T-C. GRCh37 (hg19) VCF-style: chr14-70420129-T-C.
Other names: c.266-8T>C (NM_022137.6).
Identifiers: ClinVar variation 749270 (VCV000749270.11), dbSNP rs758193933, ClinGen allele CA7246412.